The following is an entry in ClinVar:

GRCh37/hg19 12q14.3-15(chr12:66045645-68872343)x1

Genes: CAND1 (cullin associated and neddylation dissociated 1; plus strand), DYRK2 (dual specificity tyrosine phosphorylation regulated kinase 2; plus strand), GRIP1 (glutamate receptor interacting protein 1; minus strand), HELB (DNA helicase B; plus strand), HMGA2 (high mobility group AT-hook 2; plus strand) and 7 more. Cytogenetic location: 12q14.3-15.
Variant type: copy number loss.
Change: copy number 1 (one copy instead of two) of chr12:66,045,645-68,872,343 (2.83 Mb, GRCh37 coordinates, 1-based), cytogenetic band 12q14.3-15.
Identifiers: ClinVar variation 1340105 (VCV001340105.1).

ClinVar aggregate classification (germline): Pathogenic (0 of 4 stars; one submission).

Submission:

Quest Diagnostics Nichols Institute San Juan Capistrano
Classification: Pathogenic. Last evaluated: 2021-03-01. Review status: no assertion criteria provided. Collection method: clinical testing. Allele origin: germline.
Comment: The copy number loss of 12q14.3q15 involves multiple coding genes, including HMGA2 (OMIM 600698), and is expected to cause phenotypic and/or developmental abnormalities. Deletions over this region of variable sizes affecting HMGA2 have been reported in the literature in patients with Silver-Russell syndrome-5 (OMIM 618908), a genetic disorder characterized by variable developmental disorders, intrauterine growth retardation with feeding difficulties in early childhood and postnatal growth failure, and dysmorphic features (Mercadante et al., Ital J Pediatr. 2020 Jul 28;46(1):108. PMID: 32723361). HMGA2 deletion is implicated for its role in growth regulation. Patients with focal deletions of HMGA2 have similar phenotypic features that include pre- and postnatal growth failure and underweight (Crescenzo et al., J Hum Genet. 2015 Jun;60(6):287-93. PMID: 25809938; Hubner et al., J Clin Endocrinol Metab. 2020 Jul 1;105(7):dgaa273. PMID: 32421827).